The following is an entry in ClinVar:

ClinVar aggregate classification (germline): Likely benign (1 of 4 stars; one submission).

gnomAD v4.1: 3 of 1,596,146 alleles (0.00019%); highest among the groups gnomAD compares: Non-Finnish European, 0.00026%; no homozygotes.

Submission:

Mayo Clinic Laboratories, Mayo Clinic
Classification: Likely benign. Last evaluated: 2025-01-23. Review status: criteria provided, single submitter. Criteria: ACMG Guidelines, 2015. Collection method: clinical testing. Allele origin: germline. Observed: 1 variant allele.
Comment: BP4, BP7, PM2_supporting

NM_000174.5(GP9):c.378G>A (p.Arg126=)

Gene: GP9 (glycoprotein IX platelet; plus strand). Cytogenetic location: 3q21.3.
Variant type: single nucleotide variant.
Coding change: c.378G>A on transcript NM_000174.5 (MANE Select); coding-DNA position 378, G replaced by A.
Protein change: p.Arg126=; no amino-acid change (arginine 126 retained).
Molecular consequence: synonymous variant.
Genome position (GRCh38, 1-based): chr3:129,062,117, G>A. VCF-style: chr3-129062117-G-A. GRCh37 (hg19) VCF-style: chr3-128780960-G-A.
Other names: p.Arg126=.
Identifiers: ClinVar variation 4684716 (VCV004684716.1).
Genomic context (GRCh38, chr3:129,062,117, plus strand): 5'-GGCCCTGCTGCAGGTCCGCTGTGCCAGCCCCAGCCTCGCTGCCCATGGCCCGCTGGGCCG[G>A]CTGACAGGCTACCAGCTGGGCAGCTGTGGCTGGCAGCTGCAGGCGTCCTGGGTGCGCCCG-3'
Protein context (NP_000165.1, residues 116-136): PSLAAHGPLG[Arg126=]LTGYQLGSCG